The following is an entry in ClinVar:

NM_001018115.3(FANCD2):c.3799del (p.Tyr1267fs)

Genes: FANCD2 (FA complementation group D2; plus strand), FANCD2OS (FANCD2 opposite strand; minus strand). Cytogenetic location: 3p25.3.
Variant type: Deletion.
Coding change: c.3799del on transcript NM_001018115.3 (MANE Select); coding-DNA position 3799, one base deleted (T; older notation c.3799delT).
Protein change: p.Tyr1267fs; shifts the reading frame from tyrosine 1267.
Molecular consequence: frameshift variant. On other transcripts: intron variant (1).
Genome position (GRCh38, 1-based): chr3:10,092,202, T deleted. VCF-style (leftmost placement, unchanged base first): chr3-10092201-CT-C. GRCh37 (hg19) VCF-style: chr3-10133885-CT-C.
Other names: c.3799del, p.Tyr1267fs (NM_001319984.2, NM_001374254.1, NM_033084.6); c.3688del, p.Tyr1230fs (NM_001374253.1); c.*44-10671del (NM_173472.2); short protein forms Y1230fs, Y1267fs.
Identifiers: ClinVar variation 1070165 (VCV001070165.42), dbSNP rs775517107, ClinGen allele CA2250523.

ClinVar aggregate classification (germline): Pathogenic/Likely pathogenic. Review status: criteria provided, multiple submitters, no conflicts (2 of 4 stars). 5 submissions from 5 submitters: Pathogenic (1); Likely pathogenic (4). Last evaluated 2024-03-27.

Conditions:
Fanconi anemia (FA). Also called: Fanconi's anemia. Identifiers: Orphanet 84, MedGen C0015625, MeSH D005199, MONDO:0019391.
Fanconi anemia complementation group D2. Also called: FANCD2-Related Fanconi Anemia; FANCONI PANCYTOPENIA, TYPE 4; FANCONI ANEMIA, COMPLEMENTATION GROUP D. Identifiers: Orphanet 84, MedGen C3160738, MONDO:0009214, OMIM 227646.

Allele frequency attached by ClinVar (database versions not stated): ExAC 0.00001; TOPMed 0.00001; ESP Exome Variant Server 0.00008; gnomAD exomes 0.00001 and 0.00003.

Submissions (5):

Baylor Genetics
Classification: Likely pathogenic for Fanconi anemia complementation group D2. Last evaluated: 2024-03-27. Review status: criteria provided, single submitter. Criteria: ACMG Guidelines, 2015. Collection method: clinical testing. Allele origin: unknown.

Labcorp Genetics (formerly Invitae), Labcorp
Classification: Pathogenic for Fanconi anemia. Last evaluated: 2023-12-24. Review status: criteria provided, single submitter. Criteria: Invitae Variant Classification Sherloc (09022015). Collection method: clinical testing. Allele origin: germline.
Comment: This sequence change creates a premature translational stop signal (p.Tyr1267Thrfs*15) in the FANCD2 gene. It is expected to result in an absent or disrupted protein product. Loss-of-function variants in FANCD2 are known to be pathogenic (PMID: 17436244). This variant is present in population databases (rs775517107, gnomAD 0.003%). This variant has not been reported in the literature in individuals affected with FANCD2-related conditions. ClinVar contains an entry for this variant (Variation ID: 1070165). For these reasons, this variant has been classified as Pathogenic.

GeneDx
Classification: Likely pathogenic. Last evaluated: 2022-03-25. Review status: criteria provided, single submitter. Criteria: GeneDx Variant Classification Process June 2021. Collection method: clinical testing. Allele origin: germline. Affected: yes.
Comment: Frameshift variant predicted to result in protein truncation or nonsense mediated decay in a gene for which loss of function is a known mechanism of disease; Not observed at significant frequency in large population cohorts (gnomAD); This variant is associated with the following publications: (PMID: 31263571)

Sema4
Classification: Likely pathogenic for Fanconi anemia. Last evaluated: 2021-12-15. Review status: criteria provided, single submitter. Criteria: Sema4 Curation Guidelines. Collection method: curation. Allele origin: germline.
Comment: To the best of our knowledge, the FANCD2 c.3799delT (p.Y1267TfsX15) variant has been reported in heterozygosity in individuals with colorectal cancer and mesothelioma. This variant causes a frameshift at amino acid 1267 that results in premature termination 15 amino acids downstream. At this location, this is predicted to cause loss of normal protein function likely through nonsense-mediated mRNA decay or protein truncation. Loss-of-function variants in FANCD2 are known to be pathogenic (PMID: 17436244). This variant was observed in 3/113714 chromosomes in the Non-Finnish European (NFE) population, according to the Genome Aggregation Database (PMID: 32461654). This variant has been reported in ClinVar (Variation ID: 1070165). Based on the current evidence available, this variant is interpreted as likely pathogenic.

CeGaT Center for Human Genetics Tuebingen
Classification: Likely pathogenic. Last evaluated: 2021-06-01. Review status: criteria provided, single submitter. Criteria: CeGaT Center For Human Genetics Tuebingen Variant Classification Criteria Version 2. Collection method: clinical testing. Allele origin: germline. Affected: yes. Observed: 1 variant allele.

Literature cited by the submitters: PubMed 17436244 (cited by Labcorp Genetics (formerly Invitae), Labcorp and Sema4).